The following is an entry in ClinVar:

ClinVar aggregate classification (germline): Uncertain significance (1 of 4 stars; one submission).

Conditions:
SMARCA1-related disorder. Also called: SMARCA1-related condition.

Allele frequency attached by ClinVar (database versions not stated): gnomAD 0.00001.

Submission:

PreventionGenetics, part of Exact Sciences
Classification: Uncertain significance for SMARCA1-related condition. Last evaluated: 2023-07-30. Review status: criteria provided, single submitter. Criteria: ACMG Guidelines, 2015. Collection method: clinical testing. Allele origin: germline.
Comment: The SMARCA1 c.878T>C variant is predicted to result in the amino acid substitution p.Val293Ala. To our knowledge, this variant has not been reported in the literature or in a large population database, indicating this variant is rare. At this time, the clinical significance of this variant is uncertain due to the absence of conclusive functional and genetic evidence.

NM_001282874.2(SMARCA1):c.878T>C (p.Val293Ala)

Gene: SMARCA1 (SNF2 related chromatin remodeling ATPase 1; minus strand). Cytogenetic location: Xq26.1.
Variant type: single nucleotide variant.
Coding change: c.878T>C on transcript NM_001282874.2 (MANE Select); coding-DNA position 878, T replaced by C.
Protein change: p.Val293Ala; replaces valine 293 with alanine.
Molecular consequence: missense variant.
Genome position (GRCh38, 1-based): chrX:129,508,029, A>G on the plus strand (T>C on the coding strand, the complement: SMARCA1 is on the minus strand). VCF-style: chrX-129508029-A-G. GRCh37 (hg19) VCF-style: chrX-128642006-A-G.
Other names: c.878T>C, p.Val293Ala (NM_001282875.2, NM_001378261.1, NM_001378262.1 and 3 more transcripts); short protein forms V293A.
Identifiers: ClinVar variation 2631291 (VCV002631291.1), dbSNP rs1934886114, ClinGen allele CA414548117.